The following is an entry in ClinVar:

NM_001326342.2(CELF2):c.887C>T (p.Ala296Val)

Gene: CELF2 (CUGBP Elav-like family member 2; plus strand). Cytogenetic location: 10p14.
Variant type: single nucleotide variant.
Coding change: c.887C>T on transcript NM_001326342.2 (MANE Select); coding-DNA position 887, C replaced by T.
Protein change: p.Ala296Val; replaces alanine 296 with valine.
Molecular consequence: missense variant.
Genome position (GRCh38, 1-based): chr10:11,288,463, C>T. VCF-style: chr10-11288463-C-T. GRCh37 (hg19) VCF-style: chr10-11330426-C-T.
Other names: c.794C>T, p.Ala265Val (NM_001025076.2, NM_001083591.1, NM_001326317.2 and 15 more transcripts); c.866C>T, p.Ala289Val (NM_001025077.3, NM_001326331.2, NM_001326332.2 and 4 more transcripts); c.959C>T, p.Ala320Val (NM_001326325.2); c.902C>T, p.Ala301Val (NM_001326326.2, NM_001326327.2); c.182C>T, p.Ala61Val (NM_001326333.2, NM_001326346.2); c.533C>T, p.Ala178Val (NM_001326338.2, NM_001326339.2); c.887C>T, p.Ala296Val (NM_001394513.1, NM_001394518.1, NM_001394519.1 and 4 more transcripts); c.818C>T, p.Ala273Val (NM_001326347.1); short protein forms A178V, A265V, A273V, A289V, A296V, A301V, A320V, A61V.
Identifiers: ClinVar variation 4882496 (VCV004882496.2).
Genomic context (GRCh38, chr10:11,288,463, plus strand): 5'-CTCTTCCCTCCACAGGCATGAATGCTTTACAGTTGCAGAACCTGGCGACGCTGGCTGCTG[C>T]TGCAGCTGCGGCCCAGACCTCAGCCACCAGCACCAATGCAAACCCTCTCTCTACCACGAG-3'
Protein context (NP_001313271.1, residues 286-306): QLQNLATLAA[Ala296Val]AAAAQTSATS

ClinVar aggregate classification (germline): Uncertain significance (1 of 4 stars; one submission).

Submission:

Dasa
Classification: Uncertain significance. Last evaluated: 2026-02-27. Review status: criteria provided, single submitter. Criteria: DASA Assertion Criteria. Collection method: clinical testing. Allele origin: germline.
Comment: NM_001326342.2(CELF2):c.887C>T (p.Ala296Val) is a missense variant that results in the substitution of alanine with valine. This variant is absent from population databases. Computational prediction algorithms are consistent with a benign effect. The currently available literature and clinical evidence are not sufficient to establish a definitive association between this variant and the reported condition. Therefore, this variant is classified as a variant of uncertain significance.